The following is an entry in ClinVar:

ClinVar aggregate classification (germline): Pathogenic (1 of 4 stars; one submission).

Submission:

GeneDx
Classification: Pathogenic. Last evaluated: 2019-04-15. Review status: criteria provided, single submitter. Criteria: GeneDx Variant Classification Process June 2021. Collection method: clinical testing. Allele origin: germline. Affected: yes.
Comment: Nonsense variant in the C-terminus predicted to result in protein truncation, as the last 204 amino acids are lost, and other loss-of-function variants have been reported downstream at GeneDx; Not observed in large population cohorts (Lek et al., 2016); Has not been previously published as pathogenic or benign to our knowledge

NM_001040142.2(SCN2A):c.5405G>A (p.Trp1802Ter)

Gene: SCN2A (sodium voltage-gated channel alpha subunit 2; plus strand). Cytogenetic location: 2q24.3.
Variant type: single nucleotide variant.
Coding change: c.5405G>A on transcript NM_001040142.2 (MANE Select); coding-DNA position 5405, G replaced by A.
Protein change: p.Trp1802Ter; replaces tryptophan 1802 with a stop codon.
Molecular consequence: nonsense.
Genome position (GRCh38, 1-based): chr2:165,389,211, G>A. VCF-style: chr2-165389211-G-A. GRCh37 (hg19) VCF-style: chr2-166245721-G-A.
Other names: c.5405G>A, p.Trp1802Ter (NM_001040143.2, NM_001371246.1, NM_001371247.1 and 1 more transcripts); short protein forms W1802*.
Identifiers: ClinVar variation 1196824 (VCV001196824.2), dbSNP rs1553463634, ClinGen allele CA349038906.